The following is an entry in ClinVar:

ClinVar aggregate classification (germline): Pathogenic (1 of 4 stars; one submission).

Conditions:
BAP1-related tumor predisposition syndrome (TPDS1). Also called: TUMOR PREDISPOSITION SYNDROME 1; Tumor susceptibility linked to germline BAP1 mutations; COMMON Syndrome; BAP1 tumor predisposition syndrome. Identifiers: Orphanet 289539, MedGen C3280492, MONDO:0013692, OMIM 614327.

Submission:

Genetics and Molecular Pathology, SA Pathology
Classification: Pathogenic for BAP1-related tumor predisposition syndrome. Last evaluated: 2019-08-19. Review status: criteria provided, single submitter. Criteria: ACMG Guidelines, 2015. Collection method: clinical testing. Allele origin: germline. Inheritance: Autosomal dominant inheritance. Affected: yes.
Comment: PM2: NA in gnomad, Exac, Clinvar, cosmid PP4: variant associated with PHx and FHx phylop:2.6 (>2 potentially pathogenic), GERP:5.52(conserved) --> PP3 PVS1: null variant PS3: multiple cases of null variants has shown aberrant transcript and lack of BAP1 nuclear expression in renal cell carcinoma (Walpole S et al. 2018_BAP1_PMID 30517737) and BAP1 associated tumour, malignant mesothelioma (Testa JR et al 2011_PMID21874000_BAP1)

Literature cited by the submitters: PubMed 21874000; PubMed 30517737.

NM_004656.4(BAP1):c.206del (p.Thr69fs)

Gene: BAP1 (BRCA1 associated deubiquitinase 1; minus strand). Cytogenetic location: 3p21.1.
Variant type: Deletion.
Coding change: c.206del on transcript NM_004656.4 (MANE Select); coding-DNA position 206, one base deleted (C; older notation c.206delC).
Protein change: p.Thr69fs; shifts the reading frame from threonine 69.
Molecular consequence: frameshift variant.
Genome position (GRCh38, 1-based): chr3:52,408,523, G deleted on the plus strand (C on the coding strand, the reverse complement: BAP1 is on the minus strand). VCF-style (leftmost placement, unchanged base first): chr3-52408522-CG-C. GRCh37 (hg19) VCF-style: chr3-52442538-CG-C.
Other names: c.206delC, p.Thr69Serfs (NM_001410772.1); c.206delC (NM_004656.4); short protein forms T69fs.
Identifiers: ClinVar variation 1803172 (VCV001803172.1), dbSNP rs2471357592, ClinGen allele CA913203505.
Genomic context (GRCh38, chr3:52,408,522, plus strand): 5'-AGTCCAGCAGACCTGGTGGGCAAAGAACATGTTATTCACAATATCATCATCAATCACGGA[CG>C]TATCATCCACCAAGGTAGAGACCTTTCGCCGGGACCGGCGCTCTTCGATCCATTTGAACA-3'